The following is an entry in ClinVar:

NM_000390.4(CHM):c.926C>T (p.Pro309Leu)

Gene: CHM (CHM Rab escort protein; minus strand). Cytogenetic location: Xq21.2.
Variant type: single nucleotide variant.
Coding change: c.926C>T on transcript NM_000390.4 (MANE Select); coding-DNA position 926, C replaced by T.
Protein change: p.Pro309Leu; replaces proline 309 with leucine.
Molecular consequence: missense variant.
Genome position (GRCh38, 1-based): chrX:85,957,869, G>A on the plus strand (C>T on the coding strand, the complement: CHM is on the minus strand). VCF-style: chrX-85957869-G-A. GRCh37 (hg19) VCF-style: chrX-85212874-G-A.
Other names: c.482C>T, p.Pro161Leu (NM_001320959.1, NM_001362517.1, NM_001362518.2 and 1 more transcripts); short protein forms P309L, P161L.
Identifiers: ClinVar variation 844970 (VCV000844970.10), dbSNP rs1930084200, ClinGen allele CA413785675.

ClinVar aggregate classification (germline): Uncertain significance. Review status: criteria provided, single submitter (1 of 4 stars). 2 submissions from 2 submitters: Uncertain significance (1). 1 of the submissions does not count toward it. Last evaluated 2025-02-25.

Conditions:
Choroideremia. Also called: Chorioretinal scalloped atrophy. Identifiers: Orphanet 180, MedGen C0008525, MONDO:0010557, OMIM 303100, HP:0001139.

Allele frequency attached by ClinVar (database versions not stated): gnomAD exomes below 0.00001.
gnomAD v4.1: 2 of 1,206,001 alleles (0.00017%); highest among the groups gnomAD compares: Non-Finnish European, 0.00022%; no homozygotes.

Submissions (2):

Labcorp Genetics (formerly Invitae), Labcorp
Classification: Uncertain significance. Last evaluated: 2025-02-25. Review status: criteria provided, single submitter. Criteria: Invitae Variant Classification Sherloc (09022015). Collection method: clinical testing. Allele origin: germline.
Comment: This sequence change replaces proline, which is neutral and non-polar, with leucine, which is neutral and non-polar, at codon 309 of the CHM protein (p.Pro309Leu). This variant is not present in population databases (gnomAD no frequency). This variant has not been reported in the literature in individuals affected with CHM-related conditions. ClinVar contains an entry for this variant (Variation ID: 844970). Invitae Evidence Modeling of protein sequence and biophysical properties (such as structural, functional, and spatial information, amino acid conservation, physicochemical variation, residue mobility, and thermodynamic stability) indicates that this missense variant is not expected to disrupt CHM protein function with a negative predictive value of 80%. In summary, the available evidence is currently insufficient to determine the role of this variant in disease. Therefore, it has been classified as a Variant of Uncertain Significance.

Natera, Inc.
Classification: Uncertain significance for Choroideremia. Last evaluated: 2020-03-17. Review status: no assertion criteria provided. Collection method: clinical testing. Allele origin: germline. Not counted in ClinVar's aggregate classification.